The following is an entry in ClinVar:

NM_001374736.1(DST):c.4015A>G (p.Asn1339Asp)

Gene: DST (dystonin; minus strand). Cytogenetic location: 6p12.1.
Variant type: single nucleotide variant.
Coding change: c.4015A>G on transcript NM_001374736.1 (MANE Select); coding-DNA position 4015, A replaced by G.
Protein change: p.Asn1339Asp; replaces asparagine 1339 with aspartic acid.
Molecular consequence: missense variant.
Genome position (GRCh38, 1-based): chr6:56,631,338, T>C on the plus strand (A>G on the coding strand, the complement: DST is on the minus strand). VCF-style: chr6-56631338-T-C. GRCh37 (hg19) VCF-style: chr6-56496136-T-C.
Other names: c.3916A>G, p.Asn1306Asp (NM_001144769.5); c.3502A>G, p.Asn1168Asp (NM_001144770.2); c.4015A>G, p.Asn1339Asp (NM_001374722.1); c.3382A>G, p.Asn1128Asp (NM_001374729.1, NM_001374730.1, NM_001386100.1 and 1 more transcripts); c.4042A>G, p.Asn1348Asp (NM_001374734.1); c.2404A>G, p.Asn802Asp (NM_001723.7, NM_015548.5); short protein forms N1128D, N1168D, N1306D, N1339D, N1348D, N802D.
Identifiers: ClinVar variation 3384601 (VCV003384601.1).

ClinVar aggregate classification (germline): Uncertain significance (1 of 4 stars; one submission).

gnomAD v4.1: 9 of 1,613,940 alleles (0.00056%); highest among the groups gnomAD compares: Non-Finnish European, 0.00076%; no homozygotes.

Submission:

GeneDx
Classification: Uncertain significance. Last evaluated: 2024-06-04. Review status: criteria provided, single submitter. Criteria: GeneDx Variant Classification Process June 2021. Collection method: clinical testing. Allele origin: germline. Affected: yes.
Comment: Not observed at significant frequency in large population cohorts (gnomAD); In silico analysis indicates that this missense variant does not alter protein structure/function; Has not been previously published as pathogenic or benign to our knowledge; Reported using the transcript encoding the epithelial isoform of the gene